The following is an entry in ClinVar:

NM_000091.5(COL4A3):c.828+59C>G

Genes: MFF-DT (MFF divergent transcript; minus strand), COL4A3 (collagen type IV alpha 3 chain; plus strand). Cytogenetic location: 2q36.3.
Variant type: single nucleotide variant.
Coding change: c.828+59C>G on transcript NM_000091.5 (MANE Select); 59 bases into the intron after coding-DNA position 828, C replaced by G.
Molecular consequence: intron variant.
Genome position (GRCh38, 1-based): chr2:227,254,233, C>G. VCF-style: chr2-227254233-C-G. GRCh37 (hg19) VCF-style: chr2-228118949-C-G.
Identifiers: ClinVar variation 1172972 (VCV001172972.7), dbSNP rs7559693, ClinGen allele CA11329496.
Genomic context (GRCh38, chr2:227,254,233, plus strand): 5'-CAGTAGGTTATTTAAAGTTATATTGTCCCCATAACACATAAAGTAGAGCCTTAGTATTTA[C>G]TTTGATGTGTGTTTTGTCTTAAGTTGTTTTTTTTTTTAAAGAAAGTAAAGGAATAAAAGA-3'

ClinVar aggregate classification (germline): Benign. Review status: criteria provided, multiple submitters, no conflicts (2 of 4 stars). 4 submissions from 4 submitters: Benign (4). Last evaluated 2024-07-15.

Conditions:
Autosomal recessive Alport syndrome (ATS2). Also called: COL4A4 Alport Syndrome and Thin Basement Membrane Nephropathy; COL4A3-Related Nephropathy; Alport syndrome type 2; ALPORT SYNDROME 2, AUTOSOMAL RECESSIVE. Identifiers: Orphanet 63, Orphanet 88919, MedGen C4746745, MONDO:0008762, OMIM 203780.

Allele frequency attached by ClinVar (database versions not stated): ESP Exome Variant Server 0.31625; gnomAD 0.32094 and 0.32638; TOPMed 0.32491; 1000 Genomes Project 0.33147; 1000 Genomes Project 30x 0.33401.

Submissions (4):

Unidad de Genómica Garrahan, Hospital de Pediatría Garrahan
Classification: Benign. Last evaluated: 2024-07-15. Review status: criteria provided, single submitter. Criteria: ACMG Guidelines, 2015. Collection method: clinical testing. Allele origin: germline. Affected: no. Observed: 35 variant alleles.
Comment: This variant is classified as Benign based on local population frequency. This variant was detected in 38% of patients studied in a panel designed for Epileptic and Developmental Encephalopathy and Progressive Myoclonus Epilepsy. Number of patients: 35. Only high quality variants are reported.

Genome-Nilou Lab
Classification: Benign for Autosomal recessive Alport syndrome. Last evaluated: 2021-06-10. Review status: criteria provided, single submitter. Criteria: ACMG Guidelines, 2015. Collection method: clinical testing. Allele origin: germline. Affected: no.

GeneDx
Classification: Benign. Last evaluated: 2018-06-24. Review status: criteria provided, single submitter. Criteria: GeneDx Variant Classification Process June 2021. Collection method: clinical testing. Allele origin: germline. Affected: yes.

Breakthrough Genomics
Classification: Benign. Review status: criteria provided, single submitter. Criteria: ACMG Guidelines, 2015. Collection method: not provided. Allele origin: germline. Inheritance: Autosomal recessive inheritance. Affected: yes.